The following is an entry in ClinVar:

NM_001039469.3(MARK2):c.1236A>G (p.Ala412=)

Gene: MARK2 (microtubule affinity regulating kinase 2; plus strand). Cytogenetic location: 11q13.1.
Variant type: single nucleotide variant.
Coding change: c.1236A>G on transcript NM_001039469.3 (MANE Select); coding-DNA position 1236, A replaced by G.
Protein change: p.Ala412=; no amino-acid change (alanine 412 retained).
Molecular consequence: synonymous variant. On other transcripts: splice acceptor variant (3).
Genome position (GRCh38, 1-based): chr11:63,902,602, A>G. VCF-style: chr11-63902602-A-G. GRCh37 (hg19) VCF-style: chr11-63670074-A-G.
Other names: c.1236A>G, p.Ala412= (NM_001163296.2); c.1235-2A>G (NM_004954.5, NM_001163297.2); c.1136-2A>G (NM_017490.4).
Identifiers: ClinVar variation 4527225 (VCV004527225.1).

ClinVar aggregate classification (germline): Uncertain significance (1 of 4 stars; one submission).

Submission:

GeneDx
Classification: Uncertain significance. Last evaluated: 2025-04-20. Review status: criteria provided, single submitter. Criteria: GeneDx Variant Classification Process June 2021. Collection method: clinical testing. Allele origin: germline. Affected: yes.
Comment: Not observed at significant frequency in large population cohorts (gnomAD); Has not been previously published as pathogenic or benign to our knowledge; In silico analysis is inconclusive as to whether the variant alters gene splicing. In the absence of RNA/functional studies, the actual effect of this sequence change is unknown.